The following is an entry in ClinVar:

ClinVar aggregate classification (germline): Uncertain significance (1 of 4 stars; one submission).

Conditions:
Inborn genetic diseases. Identifiers: MedGen C0950123, MeSH D030342.

Allele frequency attached by ClinVar (database versions not stated): ExAC 0.00001.

Submission:

Ambry Genetics
Classification: Uncertain significance for Inborn genetic diseases. Last evaluated: 2020-03-18. Review status: criteria provided, single submitter. Criteria: Ambry Variant Classification Scheme 2023. Collection method: clinical testing. Allele origin: germline.
Comment: The p.E25D variant (also known as c.75G>C), located in coding exon 2 of the ATL1 gene, results from a G to C substitution at nucleotide position 75. The glutamic acid at codon 25 is replaced by aspartic acid, an amino acid with highly similar properties. This amino acid position is highly conserved in available vertebrate species. In addition, this alteration is predicted to be tolerated by in silico analysis. Since supporting evidence is limited at this time, the clinical significance of this alteration remains unclear.

NM_015915.5(ATL1):c.75G>C (p.Glu25Asp)

Gene: ATL1 (atlastin GTPase 1; plus strand). Cytogenetic location: 14q22.1.
Variant type: single nucleotide variant.
Coding change: c.75G>C on transcript NM_015915.5 (MANE Select); coding-DNA position 75, G replaced by C.
Protein change: p.Glu25Asp; replaces glutamic acid 25 with aspartic acid.
Molecular consequence: missense variant.
Genome position (GRCh38, 1-based): chr14:50,587,871, G>C. VCF-style: chr14-50587871-G-C. GRCh37 (hg19) VCF-style: chr14-51054589-G-C.
Other names: c.75G>C, p.Glu25Asp (NM_001127713.1, NM_181598.4); short protein forms E25D.
Identifiers: ClinVar variation 1759743 (VCV001759743.2), dbSNP rs766461592, ClinGen allele CA7180169.